The following is an entry in ClinVar:

NM_001142864.4(PIEZO1):c.7231T>G (p.Cys2411Gly)

Gene: PIEZO1 (piezo type mechanosensitive ion channel component 1 (Er blood group); minus strand). Cytogenetic location: 16q24.3.
Variant type: single nucleotide variant.
Coding change: c.7231T>G on transcript NM_001142864.4 (MANE Select); coding-DNA position 7231, T replaced by G.
Protein change: p.Cys2411Gly; replaces cysteine 2411 with glycine.
Molecular consequence: missense variant.
Genome position (GRCh38, 1-based): chr16:88,716,018, A>C on the plus strand (T>G on the coding strand, the complement: PIEZO1 is on the minus strand). VCF-style: chr16-88716018-A-C. GRCh37 (hg19) VCF-style: chr16-88782426-A-C.
Other names: c.5773T>G, p.Cys1925Gly (NM_014745.1); short protein forms C2411G, C1925G.
Identifiers: ClinVar variation 3022823 (VCV003022823.3), dbSNP rs1911994726, ClinGen allele CA397072340.
Genomic context (GRCh38, chr16:88,716,018, plus strand): 5'-TCGGTGGGCTGACCTTGTCACTGAAAATGACCATGGGCAGCAGGTTGCAGTCGGTCCGGC[A>C]CTCCTGCAGCTCGATGACCCACCATTCGAGGAAGCCGGTGGCCCCCGCACCCTGCTCCCT-3'
Protein context (NP_001136336.2, residues 2401-2421): LEWWVIELQE[Cys2411Gly]RTDCNLLPMV

ClinVar aggregate classification (germline): Uncertain significance (1 of 4 stars; one submission).

Allele frequency attached by ClinVar (database versions not stated): gnomAD 0.00001.
gnomAD v4.1: 4 of 1,549,606 alleles (0.00026%); highest among the groups gnomAD compares: African/African-American, 0.0027%; no homozygotes.

Submission:

Labcorp Genetics (formerly Invitae), Labcorp
Classification: Uncertain significance. Last evaluated: 2025-09-16. Review status: criteria provided, single submitter. Criteria: Invitae Variant Classification Sherloc (09022015). Collection method: clinical testing. Allele origin: germline.
Comment: This sequence change replaces cysteine, which is neutral and slightly polar, with glycine, which is neutral and non-polar, at codon 2411 of the PIEZO1 protein (p.Cys2411Gly). This variant is not present in population databases (gnomAD no frequency). This variant has not been reported in the literature in individuals affected with PIEZO1-related conditions. ClinVar contains an entry for this variant (Variation ID: 3022823). Invitae Evidence Modeling of protein sequence and biophysical properties (such as structural, functional, and spatial information, amino acid conservation, physicochemical variation, residue mobility, and thermodynamic stability) indicates that this missense variant is not expected to disrupt PIEZO1 protein function with a negative predictive value of 80%. In summary, the available evidence is currently insufficient to determine the role of this variant in disease. Therefore, it has been classified as a Variant of Uncertain Significance.